The following is an entry in ClinVar:

NM_000051.4(ATM):c.3571A>G (p.Lys1191Glu)

Gene: ATM (ATM serine/threonine kinase; plus strand). Cytogenetic location: 11q22.3.
Variant type: single nucleotide variant.
Coding change: c.3571A>G on transcript NM_000051.4 (MANE Select); coding-DNA position 3571, A replaced by G.
Protein change: p.Lys1191Glu; replaces lysine 1191 with glutamic acid.
Molecular consequence: missense variant.
Genome position (GRCh38, 1-based): chr11:108,281,163, A>G. VCF-style: chr11-108281163-A-G. GRCh37 (hg19) VCF-style: chr11-108151890-A-G.
Other names: c.3571A>G, p.Lys1191Glu (NM_001351834.2); short protein forms K1191E.
Identifiers: ClinVar variation 4747201 (VCV004747201.1).

ClinVar aggregate classification (germline): Uncertain significance (1 of 4 stars; one submission).

Conditions:
Ataxia-telangiectasia syndrome (AT). Also called: Ataxia-telangiectasia, complementation group D; AT, COMPLEMENTATION GROUP C; Ataxia-telangiectasia; Ataxia telangiectasia (A-T); LOUIS-BAR SYNDROME; Cerebello-oculocutaneous telangiectasia. Identifiers: Orphanet 100, MedGen C0004135, MONDO:0008840, OMIM 208900.

Submission:

Labcorp Genetics (formerly Invitae), Labcorp
Classification: Uncertain significance for Ataxia-telangiectasia syndrome. Last evaluated: 2025-03-31. Review status: criteria provided, single submitter. Criteria: Invitae Variant Classification Sherloc (09022015). Collection method: clinical testing. Allele origin: germline.
Comment: This sequence change replaces lysine, which is basic and polar, with glutamic acid, which is acidic and polar, at codon 1191 of the ATM protein (p.Lys1191Glu). This variant is not present in population databases (gnomAD no frequency). This variant has not been reported in the literature in individuals affected with ATM-related conditions. Invitae Evidence Modeling of protein sequence and biophysical properties (such as structural, functional, and spatial information, amino acid conservation, physicochemical variation, residue mobility, and thermodynamic stability) indicates that this missense variant is not expected to disrupt ATM protein function with a negative predictive value of 95%. In summary, the available evidence is currently insufficient to determine the role of this variant in disease. Therefore, it has been classified as a Variant of Uncertain Significance.